The following is an entry in ClinVar:

ClinVar aggregate classification (germline): Benign/Likely benign. Review status: criteria provided, multiple submitters, no conflicts (2 of 4 stars). 7 submissions from 7 submitters: Benign (2); Likely benign (4). 1 of the submissions does not count toward it. Last evaluated 2024-09-09.

Conditions:
MYH8-related disorder. Also called: MYH8-related condition.
Carney complex - trismus - pseudocamptodactyly syndrome. Identifiers: Orphanet 319340, MedGen C1837245, MONDO:0012137, OMIM 608837.
Hecht syndrome (DA7). Also called: MOUTH, INABILITY TO OPEN COMPLETELY, AND SHORT FINGER-FLEXOR TENDONS; Dutch-Kentucky syndrome. Identifiers: Orphanet 3377, MedGen C0265226, MONDO:0008016, OMIM 158300. Disease mechanism: gain of function.

Allele frequency attached by ClinVar (database versions not stated): 1000 Genomes Project 30x 0.00437; 1000 Genomes Project 0.00479; gnomAD exomes 0.00657 and 0.01034; gnomAD 0.00663 and 0.00723; ExAC 0.00666; TOPMed 0.00716; ESP Exome Variant Server 0.00877.

Submissions (7):

GeneDx
Classification: Likely benign. Last evaluated: 2024-09-09. Review status: criteria provided, single submitter. Criteria: GeneDx Variant Classification Process June 2021. Collection method: clinical testing. Allele origin: germline. Affected: yes.
Comment: See Variant Classification Assertion Criteria.

Fulgent Genetics
Classification: Likely benign for Hecht syndrome; Carney complex - trismus - pseudocamptodactyly syndrome. Last evaluated: 2021-12-16. Review status: criteria provided, single submitter. Criteria: ACMG Guidelines, 2015. Collection method: clinical testing. Allele origin: unknown.

Labcorp Genetics (formerly Invitae), Labcorp
Classification: Benign. Last evaluated: 2019-12-31. Review status: criteria provided, single submitter. Criteria: Invitae Variant Classification Sherloc (09022015). Collection method: clinical testing. Allele origin: germline.

Illumina Laboratory Services, Illumina
Classification: Likely benign for Hecht syndrome. Last evaluated: 2017-04-27. Review status: criteria provided, single submitter. Criteria: ICSL Variant Classification Criteria 13 December 2019. Collection method: clinical testing. Allele origin: germline.
Comment: This variant was observed as part of a predisposition screen in an ostensibly healthy population. A literature search was performed for the gene, cDNA change, and amino acid change (where applicable). No publications were found based on this search. Allele frequency data from public databases allowed determination this variant is unlikely to cause disease. Therefore, this variant is classified as likely benign.

Genetic Services Laboratory, University of Chicago
Classification: Benign. Last evaluated: 2016-02-22. Review status: criteria provided, single submitter. Criteria: ACMG Guidelines, 2015. Collection method: clinical testing. Allele origin: germline. Affected: no.

Breakthrough Genomics
Classification: Likely benign. Review status: criteria provided, single submitter. Criteria: ACMG Guidelines, 2015. Collection method: not provided. Allele origin: germline. Inheritance: Autosomal dominant inheritance. Affected: yes.

PreventionGenetics, part of Exact Sciences
Classification: Benign for MYH8-related condition. Last evaluated: 2019-04-01. Review status: no assertion criteria provided. Collection method: clinical testing. Allele origin: germline. Not counted in ClinVar's aggregate classification.
Comment: This variant is classified as benign based on ACMG/AMP sequence variant interpretation guidelines (Richards et al. 2015 PMID: 25741868, with internal and published modifications).

NM_002472.3(MYH8):c.3686T>C (p.Met1229Thr)

Genes: MYH8 (myosin heavy chain 8; minus strand), MYHAS (myosin heavy chain gene cluster antisense RNA; plus strand). Cytogenetic location: 17p13.1.
Variant type: single nucleotide variant.
Coding change: c.3686T>C on transcript NM_002472.3 (MANE Select); coding-DNA position 3686, T replaced by C.
Protein change: p.Met1229Thr; replaces methionine 1229 with threonine.
Molecular consequence: missense variant.
Genome position (GRCh38, 1-based): chr17:10,400,439, A>G on the plus strand (T>C on the coding strand, the complement: MYH8 is on the minus strand). VCF-style: chr17-10400439-A-G. GRCh37 (hg19) VCF-style: chr17-10303756-A-G.
Other names: short protein forms M1229T.
Identifiers: ClinVar variation 129675 (VCV000129675.20), dbSNP rs35962914, ClinGen allele CA153824.
Genomic context (GRCh38, chr17:10,400,439, plus strand): 5'-GTATTGGGTACCTTGGCTTTGGAAATGGCCTCTGCGTTACTGCTGAGGTCATCAGTCTCC[A>G]TCTTCAGCTCACTCTTCTCCTTCTCCAGCTTCTGTTTGACCCGCTGCAAGTTGTCAATCT-3'
Protein context (NP_002463.2, residues 1219-1239): KLEKEKSELK[Met1229Thr]ETDDLSSNAE